The following is an entry in ClinVar:

ClinVar aggregate classification (germline): Uncertain significance (1 of 4 stars; one submission).

Conditions:
Dilated cardiomyopathy 1O (CMD1O). Also called: CARDIOMYOPATHY, DILATED, WITH VENTRICULAR TACHYCARDIA. Identifiers: Orphanet 154, MedGen C1837839, MONDO:0012062, OMIM 608569.

Allele frequency attached by ClinVar (database versions not stated): gnomAD exomes below 0.00001.
gnomAD v4.1: 4 of 1,608,426 alleles (0.00025%); highest among the groups gnomAD compares: Non-Finnish European, 0.00034%; no homozygotes.

Submission:

Labcorp Genetics (formerly Invitae), Labcorp
Classification: Uncertain significance for Dilated cardiomyopathy 1O. Last evaluated: 2023-10-04. Review status: criteria provided, single submitter. Criteria: Invitae Variant Classification Sherloc (09022015). Collection method: clinical testing. Allele origin: germline.
Comment: This sequence change affects codon 636 of the ABCC9 mRNA. It is a 'silent' change, meaning that it does not change the encoded amino acid sequence of the ABCC9 protein. This variant is not present in population databases (gnomAD no frequency). This variant has not been reported in the literature in individuals affected with ABCC9-related conditions. Algorithms developed to predict the effect of sequence changes on RNA splicing suggest that this variant may create or strengthen a splice site. In summary, the available evidence is currently insufficient to determine the role of this variant in disease. Therefore, it has been classified as a Variant of Uncertain Significance.

NM_020297.4(ABCC9):c.1908A>G (p.Gly636=)

Gene: ABCC9 (ATP binding cassette subfamily C member 9; minus strand). Cytogenetic location: 12p12.1.
Variant type: single nucleotide variant.
Coding change: c.1908A>G on transcript NM_020297.4 (MANE Select); coding-DNA position 1908, A replaced by G.
Protein change: p.Gly636=; no amino-acid change (glycine 636 retained).
Molecular consequence: synonymous variant.
Genome position (GRCh38, 1-based): chr12:21,887,829, T>C on the plus strand (A>G on the coding strand, the complement: ABCC9 is on the minus strand). VCF-style: chr12-21887829-T-C. GRCh37 (hg19) VCF-style: chr12-22040763-T-C.
Other names: c.1908A>G, p.Gly636= (NM_001377273.1, NM_005691.4); c.1044A>G, p.Gly348= (NM_001377274.1).
Identifiers: ClinVar variation 2740221 (VCV002740221.3), dbSNP rs2541465315, ClinGen allele CA478877297.